The following is an entry in ClinVar:

ClinVar aggregate classification (germline): Uncertain significance. Review status: criteria provided, multiple submitters, no conflicts (2 of 4 stars). 4 submissions from 4 submitters: Uncertain significance (3). 1 of the submissions does not count toward it. Last evaluated 2026-08-03.

Conditions:
Niemann-Pick disease, type C1. Also called: NIEMANN-PICK DISEASE, VARIANT TYPE C1; NEUROVISCERAL STORAGE DISEASE WITH VERTICAL SUPRANUCLEAR OPHTHALMOPLEGIA; NIEMANN-PICK DISEASE WITH CHOLESTEROL ESTERIFICATION BLOCK; NIEMANN-PICK DISEASE WITHOUT SPHINGOMYELINASE DEFICIENCY; NIEMANN-PICK DISEASE, CHRONIC NEURONOPATHIC FORM. Identifiers: Orphanet 646, MedGen C3179455, MONDO:0009757, OMIM 257220.
NPC1-related disorder. Also called: NPC1-related condition.

Allele frequency attached by ClinVar (database versions not stated): gnomAD exomes 0.00005 and 0.00015; gnomAD 0.00006 and 0.00009; ExAC 0.00007; TOPMed 0.00011; ESP Exome Variant Server 0.00031.
gnomAD v4.1: 229 of 1,614,022 alleles (0.014%); highest among the groups gnomAD compares: Non-Finnish European, 0.018%; no homozygotes.

Submissions (4):

PreventionGenetics, part of Exact Sciences
Classification: Uncertain significance for NPC1-related condition. Last evaluated: 2026-08-03. Review status: criteria provided, single submitter. Criteria: ACMG Guidelines, 2015. Collection method: clinical testing. Allele origin: germline.
Comment: The NPC1 c.3821G>A variant is predicted to result in the amino acid substitution p.Arg1274Gln. To our knowledge, this variant has not been reported in the literature. This variant is reported in 0.018% of alleles in individuals of African descent in gnomAD. At this time, the clinical significance of this variant is uncertain due to the absence of conclusive functional and genetic evidence.

Labcorp Genetics (formerly Invitae), Labcorp
Classification: Uncertain significance for Niemann-Pick disease, type C1. Last evaluated: 2022-11-01. Review status: criteria provided, single submitter. Criteria: Invitae Variant Classification Sherloc (09022015). Collection method: clinical testing. Allele origin: germline.
Comment: This sequence change replaces arginine, which is basic and polar, with glutamine, which is neutral and polar, at codon 1274 of the NPC1 protein (p.Arg1274Gln). This variant is present in population databases (rs151305963, gnomAD 0.02%). This variant has not been reported in the literature in individuals affected with NPC1-related conditions. ClinVar contains an entry for this variant (Variation ID: 539311). Advanced modeling of protein sequence and biophysical properties (such as structural, functional, and spatial information, amino acid conservation, physicochemical variation, residue mobility, and thermodynamic stability) performed at Invitae indicates that this missense variant is not expected to disrupt NPC1 protein function. In summary, the available evidence is currently insufficient to determine the role of this variant in disease. Therefore, it has been classified as a Variant of Uncertain Significance.

Fulgent Genetics
Classification: Uncertain significance for Niemann-Pick disease, type C1. Last evaluated: 2018-10-31. Review status: criteria provided, single submitter. Criteria: ACMG Guidelines, 2015. Collection method: clinical testing. Allele origin: unknown.

Natera, Inc.
Classification: Uncertain significance for Niemann-Pick disease type C1. Last evaluated: 2020-02-27. Review status: no assertion criteria provided. Collection method: clinical testing. Allele origin: germline. Not counted in ClinVar's aggregate classification.

NM_000271.5(NPC1):c.3821G>A (p.Arg1274Gln)

Gene: NPC1 (NPC intracellular cholesterol transporter 1; minus strand). Cytogenetic location: 18q11.2.
Variant type: single nucleotide variant.
Coding change: c.3821G>A on transcript NM_000271.5 (MANE Select); coding-DNA position 3821, G replaced by A.
Protein change: p.Arg1274Gln; replaces arginine 1274 with glutamine.
Molecular consequence: missense variant.
Genome position (GRCh38, 1-based): chr18:23,532,218, C>T on the plus strand (G>A on the coding strand, the complement: NPC1 is on the minus strand). VCF-style: chr18-23532218-C-T. GRCh37 (hg19) VCF-style: chr18-21112182-C-T.
Other names: short protein forms R1274Q.
Identifiers: ClinVar variation 539311 (VCV000539311.9), dbSNP rs151305963, ClinGen allele CA8912629.